The following is an entry in ClinVar:

NM_000441.2(SLC26A4):c.99del (p.Gln33fs)

Genes: SLC26A4 (solute carrier family 26 member 4; plus strand), SLC26A4-AS1 (SLC26A4 antisense RNA 1; minus strand). Cytogenetic location: 7q22.3.
Variant type: Deletion.
Coding change: c.99del on transcript NM_000441.2 (MANE Select); coding-DNA position 99, one base deleted (G; older notation c.99delG).
Protein change: p.Gln33fs; shifts the reading frame from glutamine 33.
Molecular consequence: frameshift variant. On other transcripts: non-coding transcript variant (1).
Genome position (GRCh38, 1-based): chr7:107,661,740, G deleted. VCF-style (leftmost placement, unchanged base first): chr7-107661739-AG-A. GRCh37 (hg19) VCF-style: chr7-107302184-AG-A.
Other names: short protein forms Q33fs.
Identifiers: ClinVar variation 5013930 (VCV005013930.1).

ClinVar aggregate classification (germline): Pathogenic (1 of 4 stars; one submission).

Conditions:
Pendred syndrome (PDS). Also called: Pendred Syndrome (PDS); DEAFNESS WITH GOITER; GOITER-DEAFNESS SYNDROME; HYPOTHYROIDISM, CONGENITAL, DUE TO DYSHORMONOGENESIS, 2B; THYROID DYSHORMONOGENESIS 2B; THYROID HORMONOGENESIS, GENETIC DEFECT IN, 2B. Identifiers: Orphanet 705, MedGen C0271829, MONDO:0010134, OMIM 274600.

Submission:

Myriad Genetics, Inc.
Classification: Pathogenic for Pendred syndrome. Last evaluated: 2025-01-05. Review status: criteria provided, single submitter. Criteria: Myriad Autosomal Dominant, Autosomal Recessive and X-Linked Classification Criteria (2023). Collection method: clinical testing. Allele origin: unknown.
Comment: NM_000441.1(SLC26A4):c.99delG(Q33Hfs*33) is expected to be pathogenic in the context of Pendred syndrome. This variant is predicted to lead to an abnormal or absent protein product due to the creation of a premature termination codon in SLC26A4, a gene where loss-of-function variants are known to be pathogenic. Please note: this variant was assessed in the context of healthy population screening.